The following is an entry in ClinVar:

ClinVar aggregate classification (germline): Conflicting classifications of pathogenicity. Review status: criteria provided, conflicting classifications (1 of 4 stars). 3 submissions from 3 submitters: Uncertain significance (2); Likely benign (1). Last evaluated 2025-10-22.

Allele frequency attached by ClinVar (database versions not stated): ExAC 0.00001; gnomAD exomes 0.00002 and 0.00003; gnomAD 0.00003 and 0.00004; TOPMed 0.00005.
gnomAD v4.1: 54 of 1,613,108 alleles (0.0033%); highest among the groups gnomAD compares: Non-Finnish European, 0.0041%; no homozygotes.

Submissions (3):

Labcorp Genetics (formerly Invitae), Labcorp
Classification: Likely benign. Last evaluated: 2025-10-22. Review status: criteria provided, single submitter. Criteria: Invitae Variant Classification Sherloc (09022015). Collection method: clinical testing. Allele origin: germline.

CeGaT Center for Human Genetics Tuebingen
Classification: Uncertain significance. Last evaluated: 2023-03-01. Review status: criteria provided, single submitter. Criteria: CeGaT Center For Human Genetics Tuebingen Variant Classification Criteria Version 2. Collection method: clinical testing. Allele origin: germline. Affected: yes. Observed: 1 variant allele.
Comment: CACNA1G: PP2

GeneDx
Classification: Uncertain significance. Last evaluated: 2016-12-21. Review status: criteria provided, single submitter. Criteria: GeneDx Variant Classification (06012015). Collection method: clinical testing. Allele origin: germline. Affected: yes.
Comment: The R102Q variant in the CACNA1G gene has not been reported previously as a pathogenic variant,nor as a benign variant, to our knowledge. The R102Q variant was not observed in approximately6400 individuals of European and African American ancestry in the NHLBI Exome SequencingProject, indicating it is not a common benign variant in these populations. The R102Q variant is asemi-conservative amino acid substitution, which may impact secondary protein structure as theseresidues differ in some properties. However, this substitution occurs at a position that is not conserved.In silico analysis is inconsistent in its predictions as to whether or not the variant is damaging to theprotein structure/function. We interpret R102Q as a variant of uncertain significance.

NM_018896.5(CACNA1G):c.305G>A (p.Arg102Gln)

Gene: CACNA1G (calcium voltage-gated channel subunit alpha1 G; plus strand). Cytogenetic location: 17q21.33.
Variant type: single nucleotide variant.
Coding change: c.305G>A on transcript NM_018896.5 (MANE Select); coding-DNA position 305, G replaced by A.
Protein change: p.Arg102Gln; replaces arginine 102 with glutamine.
Molecular consequence: missense variant. On other transcripts: non-coding transcript variant (5).
Genome position (GRCh38, 1-based): chr17:50,568,932, G>A. VCF-style: chr17-50568932-G-A. GRCh37 (hg19) VCF-style: chr17-48646293-G-A.
Other names: c.305G>A, p.Arg102Gln (NM_001256324.2, NM_001256325.2, NM_001256326.2 and 24 more transcripts); short protein forms R102Q.
Identifiers: ClinVar variation 391562 (VCV000391562.30), dbSNP rs763813233, ClinGen allele CA8651910.
Genomic context (GRCh38, chr17:50,568,932, plus strand): 5'-GGTTTGAGCGCATCAGCATGTTGGTCATCCTTCTCAACTGCGTGACCCTGGGCATGTTCC[G>A]GCCATGCGAGGACATCGCCTGTGACTCCCAGCGCTGCCGGATCCTGCAGGTGAGTGTGTG-3'
Protein context (NP_061496.2, residues 92-112): LLNCVTLGMF[Arg102Gln]PCEDIACDSQ